The following is an entry in ClinVar:

ClinVar aggregate classification (germline): Uncertain significance (1 of 4 stars; one submission).

Allele frequency attached by ClinVar (database versions not stated): gnomAD exomes below 0.00001.
gnomAD v4.1: 1 of 1,614,190 alleles (0.000062%); highest among the groups gnomAD compares: Non-Finnish European, 0.000085%; no homozygotes.

Submission:

Labcorp Genetics (formerly Invitae), Labcorp
Classification: Uncertain significance. Last evaluated: 2022-08-16. Review status: criteria provided, single submitter. Criteria: Invitae Variant Classification Sherloc (09022015). Collection method: clinical testing. Allele origin: germline.
Comment: This sequence change replaces proline, which is neutral and non-polar, with leucine, which is neutral and non-polar, at codon 253 of the ARSG protein (p.Pro253Leu). This variant is not present in population databases (gnomAD no frequency). This variant has not been reported in the literature in individuals affected with ARSG-related conditions. Algorithms developed to predict the effect of missense changes on protein structure and function (SIFT, PolyPhen-2, Align-GVGD) all suggest that this variant is likely to be disruptive. In summary, the available evidence is currently insufficient to determine the role of this variant in disease. Therefore, it has been classified as a Variant of Uncertain Significance.

NM_001267727.2(ARSG):c.758C>T (p.Pro253Leu)

Gene: ARSG (arylsulfatase G; plus strand). Cytogenetic location: 17q24.2.
Variant type: single nucleotide variant.
Coding change: c.758C>T on transcript NM_001267727.2 (MANE Select); coding-DNA position 758, C replaced by T.
Protein change: p.Pro253Leu; replaces proline 253 with leucine.
Molecular consequence: missense variant.
Genome position (GRCh38, 1-based): chr17:68,368,601, C>T. VCF-style: chr17-68368601-C-T. GRCh37 (hg19) VCF-style: chr17-66364742-C-T.
Other names: c.758C>T, p.Pro253Leu (NM_001352899.2, NM_001352900.2, NM_001352901.2 and 3 more transcripts); c.755C>T, p.Pro252Leu (NM_001352903.2, NM_001352904.2, NM_001352905.2 and 2 more transcripts); c.710C>T, p.Pro237Leu (NM_001352909.2); short protein forms P237L, P252L, P253L.
Identifiers: ClinVar variation 2122800 (VCV002122800.4), dbSNP rs2510876500, ClinGen allele CA400745199.